The following is an entry in ClinVar:

NM_138927.4(SON):c.2321A>T (p.Gln774Leu)

Gene: SON (SON DNA and RNA binding protein; plus strand). Cytogenetic location: 21q22.11.
Variant type: single nucleotide variant.
Coding change: c.2321A>T on transcript NM_138927.4 (MANE Select); coding-DNA position 2321, A replaced by T.
Protein change: p.Gln774Leu; replaces glutamine 774 with leucine.
Molecular consequence: missense variant. On other transcripts: non-coding transcript variant (1), intron variant (1).
Genome position (GRCh38, 1-based): chr21:33,551,552, A>T. VCF-style: chr21-33551552-A-T. GRCh37 (hg19) VCF-style: chr21-34923858-A-T.
Other names: c.2321A>T, p.Gln774Leu (NM_001291411.2, NM_032195.3); c.244+5173A>T (NM_001291412.3); short protein forms Q774L.
Identifiers: ClinVar variation 4762868 (VCV004762868.1).

ClinVar aggregate classification (germline): Uncertain significance (1 of 4 stars; one submission).

Submission:

Labcorp Genetics (formerly Invitae), Labcorp
Classification: Uncertain significance. Last evaluated: 2025-10-24. Review status: criteria provided, single submitter. Criteria: Invitae Variant Classification Sherloc (09022015). Collection method: clinical testing. Allele origin: germline.
Comment: This sequence change replaces glutamine, which is neutral and polar, with leucine, which is neutral and non-polar, at codon 774 of the SON protein (p.Gln774Leu). This variant is not present in population databases (gnomAD no frequency). This variant has not been reported in the literature in individuals affected with SON-related conditions. An algorithm developed to predict the effect of missense changes on protein structure and function (PolyPhen-2) suggests that this variant is likely to be disruptive. In summary, the available evidence is currently insufficient to determine the role of this variant in disease. Therefore, it has been classified as a Variant of Uncertain Significance.